The following is an entry in ClinVar:

NM_004006.3(DMD):c.4781del (p.Glu1593_Leu1594insTer)

Gene: DMD (dystrophin; minus strand). Cytogenetic location: Xp21.1.
Variant type: Deletion.
Coding change: c.4781del on transcript NM_004006.3 (MANE Select); coding-DNA position 4781, one base deleted (T; older notation c.4781delT).
Protein change: p.Glu1593_Leu1594insTer.
Molecular consequence: nonsense.
Genome position (GRCh38, 1-based): chrX:32,380,574, A deleted on the plus strand (T on the coding strand, the reverse complement: DMD is on the minus strand); the first of 2 consecutive A bases (chrX:32,380,574-32,380,575); deleting either gives the same sequence. VCF-style (leftmost placement, unchanged base first): chrX-32380573-CA-C. GRCh37 (hg19) VCF-style: chrX-32398690-CA-C.
Other names: c.4757del, p.Glu1585_Leu1586insTer (NM_000109.4); c.4769del, p.Glu1589_Leu1590insTer (NM_004009.3); c.4412del, p.Glu1470_Leu1471insTer (NM_004010.3); c.758del, p.Glu252_Leu253insTer (NM_004011.4); c.749del, p.Glu249_Leu250insTer (NM_004012.4).
Identifiers: ClinVar variation 2062861 (VCV002062861.4), dbSNP rs2522912867, ClinGen allele CA2580100643.
Genomic context (GRCh38, chrX:32,380,573, plus strand): 5'-TCCCCAGGCAACTTCAGAATCCAAATTACTAGGCATTCCTTCAACTGCTGATCTCTTTGT[CA>C]ATTCCATATCTGTAGCTGCCAGCCATTCTGTCAAGACATTCATTTCCTTTCGCATCTTAC-3'

ClinVar aggregate classification (germline): Pathogenic (1 of 4 stars; one submission).

Conditions:
Duchenne muscular dystrophy (DMD). Also called: MUSCULAR DYSTROPHY, PSEUDOHYPERTROPHIC PROGRESSIVE, DUCHENNE TYPE; Duchenne Muscular Dystrophy (DMD). Identifiers: Orphanet 98896, MedGen C0013264, MONDO:0010679, OMIM 310200.

Submission:

Labcorp Genetics (formerly Invitae), Labcorp
Classification: Pathogenic for Duchenne muscular dystrophy. Last evaluated: 2022-01-03. Review status: criteria provided, single submitter. Criteria: Invitae Variant Classification Sherloc (09022015). Collection method: clinical testing. Allele origin: germline.
Comment: For these reasons, this variant has been classified as Pathogenic. This variant has not been reported in the literature in individuals affected with DMD-related conditions. This variant is not present in population databases (gnomAD no frequency). This sequence change creates a premature translational stop signal (p.Leu1594*) in the DMD gene. It is expected to result in an absent or disrupted protein product. Loss-of-function variants in DMD are known to be pathogenic (PMID: 16770791, 25007885).

Literature cited by the submitters: PubMed 16770791; PubMed 25007885.